The following is an entry in ClinVar:

ClinVar aggregate classification (germline): Pathogenic (1 of 4 stars; one submission).

Conditions:
Familial intrahepatic cholestasis. Identifiers: Orphanet 284385, MedGen CN296401, MONDO:0017290.

Submission:

Genomenon, Inc
Classification: Pathogenic for Familial intrahepatic cholestasis. Last evaluated: 2026-04-14. Review status: criteria provided, single submitter. Criteria: Genomenon Sequence Variant Interpretation Standards - Updated. Collection method: curation. Allele origin: germline. Affected: yes.
Comment: ABCB4 p.Lys672Ter (c.2014A>T) is a nonsense variant that introduces a premature stop codon at amino acid position 672, creating a truncated protein that is predicted to undergo nonsense-mediated mRNA decay. This variant has been observed in at least one proband with an ABCB4-related disorder (PMID:29238877). The variant was found to segregate with disease in at least one affected family (PMID:29238877). It is absent or not present at a significant frequency in gnomAD. In conclusion, we classify ABCB4 p.Lys672Ter (c.2014A>T) as a pathogenic variant.

Literature cited by the submitters: PubMed 29238877.

NM_000443.4(ABCB4):c.2014A>T (p.Lys672Ter)

Gene: ABCB4 (ATP binding cassette subfamily B member 4; minus strand). Cytogenetic location: 7q21.12.
Variant type: single nucleotide variant.
Coding change: c.2014A>T on transcript NM_000443.4 (MANE Select); coding-DNA position 2014, A replaced by T.
Protein change: p.Lys672Ter; replaces lysine 672 with a stop codon.
Molecular consequence: nonsense.
Genome position (GRCh38, 1-based): chr7:87,426,800, T>A on the plus strand (A>T on the coding strand, the complement: ABCB4 is on the minus strand). VCF-style: chr7-87426800-T-A. GRCh37 (hg19) VCF-style: chr7-87056116-T-A.
Other names: c.2014A>T, p.Lys672Ter (NM_018849.3, NM_018850.3); short protein forms K672*.
Identifiers: ClinVar variation 4846522 (VCV004846522.1).